The following is an entry in ClinVar:

NM_000760.4(CSF3R):c.362-27_362-18del

Gene: CSF3R (colony stimulating factor 3 receptor; minus strand). Cytogenetic location: 1p34.3.
Variant type: Deletion.
Coding change: c.362-27_362-18del on transcript NM_000760.4 (MANE Select); 27 bases into the intron before coding-DNA position 362 through 18 bases into the intron before coding-DNA position 362, 10 bases deleted (CCTCACACTC; older notation c.362-27_362-18delCCTCACACTC).
Molecular consequence: intron variant.
Genome position (GRCh38, 1-based): chr1:36,473,905-36,473,914, GAGTGTGAGG deleted on the plus strand (CCTCACACTC on the coding strand, the reverse complement: CSF3R is on the minus strand); deleting any 10 consecutive bases within chr1:36,473,905-36,473,915 gives the same sequence; the c. name uses the placement nearest the transcript's 3' end. VCF-style (leftmost placement, unchanged base first): chr1-36473904-AGAGTGTGAGG-A. GRCh37 (hg19) VCF-style: chr1-36939505-AGAGTGTGAGG-A.
Other names: c.362-27_362-18del (NM_156039.3, NM_172313.3).
Identifiers: ClinVar variation 2152756 (VCV002152756.4), dbSNP rs776394438, ClinGen allele CA20750330.

ClinVar aggregate classification (germline): Uncertain significance (1 of 4 stars; one submission).

Conditions:
Autosomal recessive severe congenital neutropenia due to CSF3R deficiency. Also called: Neutropenia, severe congenital, 7, autosomal recessive. Identifiers: Orphanet 420702, MedGen C4310764, MONDO:0014865, OMIM 617014.

Submission:

Labcorp Genetics (formerly Invitae), Labcorp
Classification: Uncertain significance for Autosomal recessive severe congenital neutropenia due to CSF3R deficiency. Last evaluated: 2025-09-01. Review status: criteria provided, single submitter. Criteria: Invitae Variant Classification Sherloc (09022015). Collection method: clinical testing. Allele origin: germline.
Comment: This sequence change falls in intron 4 of the CSF3R gene. It does not directly change the encoded amino acid sequence of the CSF3R protein. This variant is present in population databases (rs776394438, gnomAD 0.002%). This variant has not been reported in the literature in individuals affected with CSF3R-related conditions. ClinVar contains an entry for this variant (Variation ID: 2152756). Algorithms developed to predict the effect of sequence changes on RNA splicing suggest that this variant may disrupt the consensus splice site. In summary, the available evidence is currently insufficient to determine the role of this variant in disease. Therefore, it has been classified as a Variant of Uncertain Significance.